The following is an entry in ClinVar:

NM_000500.9(CYP21A2):c.607A>G (p.Ser203Gly)

Genes: CYP21A2 (cytochrome P450 family 21 subfamily A member 2; plus strand), LOC106780800 (CYP21A2 recombination region; plus strand). Cytogenetic location: 6p21.33.
Variant type: single nucleotide variant.
Coding change: c.607A>G on transcript NM_000500.9 (MANE Select); coding-DNA position 607, A replaced by G.
Protein change: p.Ser203Gly; replaces serine 203 with glycine.
Molecular consequence: missense variant.
Genome position (GRCh38, 1-based): chr6:32,039,603, A>G. VCF-style: chr6-32039603-A-G. GRCh37 (hg19) VCF-style: chr6-32007380-A-G.
Other names: c.517A>G, p.Ser173Gly (NM_001128590.4); c.202A>G, p.Ser68Gly (NM_001368143.2, NM_001368144.2); short protein forms S173G, S68G, S203G.
Identifiers: ClinVar variation 3572107 (VCV003572107.1).

ClinVar aggregate classification (germline): Uncertain significance (1 of 4 stars; one submission).

gnomAD v4.1: 182 of 1,571,906 alleles (0.012%); highest among the groups gnomAD compares: African/African-American, 0.2%; no homozygotes.

Submission:

Quest Diagnostics Nichols Institute San Juan Capistrano
Classification: Uncertain significance. Last evaluated: 2024-10-21. Review status: criteria provided, single submitter. Criteria: Quest Diagnostics criteria. Collection method: clinical testing. Allele origin: unknown.
Comment: The CYP21A2 c.607A>G (p.Ser203Gly) variant has been reported in the published literature in an individual affected with very mild non-classic congenital adrenal hyperplasia (CAH) who also carried a truncating CYP21A2 variant in trans (PMID: 27721825 (2016)). Functional studies have shown the variant has reduced enzyme activity, however, retains 85% 17-hydroxyprogesterone activity and 81% progesterone activity (PMID: 27721825 (2016)). The frequency of this variant in the general population, 0.0019 (37/19744 chromosomes (Genome Aggregation Database)), is uninformative in the assessment of its pathogenicity. Analysis of this variant using bioinformatics tools for the prediction of the effect of amino acid changes on protein structure and function yielded predictions that this variant is benign. Based on the available information, we are unable to determine the clinical significance of this variant.

Literature cited by the submitters: PubMed 27721825; PubMed 29035424; PubMed 32616876.